The following is an entry in ClinVar:

ClinVar aggregate classification (germline): Uncertain significance. Review status: criteria provided, multiple submitters, no conflicts (2 of 4 stars). 2 submissions from 2 submitters: Uncertain significance (2). Last evaluated 2025-10-01.

Conditions:
Aortic aneurysm, familial thoracic 9 (AAT9). Identifiers: MedGen C4015368, MONDO:0014514, OMIM 616166.

Submissions (2):

Helix
Classification: Uncertain significance for Aortic aneurysm, familial thoracic 9. Last evaluated: 2025-10-01. Review status: criteria provided, single submitter. Criteria: ACMG Guidelines, 2015. Collection method: clinical testing. Allele origin: germline. Inheritance: Autosomal dominant inheritance.
Comment: This variant (NM_003480.4:c.185T>G p.Leu62Trp) results in the substitution of leucine with tryptophan at codon 62 in the MFAP5 protein. It is a rare variant that is absent from the large gnomAD population database (v4.1). To our knowledge, this variant has not been reported in individuals with MFAP5-related conditions in the published literature. In silico prediction from REVEL (PMID: 27666373) suggests that this variant may be benign. This variant is present in ClinVar (Variation ID: 2000139). In conclusion, since the available evidence is limited, the clinical significance of this variant is unclear at this time. Therefore, it is classified as a Variant of Uncertain Significance.

Labcorp Genetics (formerly Invitae), Labcorp
Classification: Uncertain significance. Last evaluated: 2022-05-28. Review status: criteria provided, single submitter. Criteria: Invitae Variant Classification Sherloc (09022015). Collection method: clinical testing. Allele origin: germline.
Comment: Algorithms developed to predict the effect of missense changes on protein structure and function are either unavailable or do not agree on the potential impact of this missense change (SIFT: "Deleterious"; PolyPhen-2: "Probably Damaging"; Align-GVGD: "Class C0"). This sequence change replaces leucine, which is neutral and non-polar, with tryptophan, which is neutral and slightly polar, at codon 62 of the MFAP5 protein (p.Leu62Trp). This variant is not present in population databases (gnomAD no frequency). This variant has not been reported in the literature in individuals affected with MFAP5-related conditions. In summary, the available evidence is currently insufficient to determine the role of this variant in disease. Therefore, it has been classified as a Variant of Uncertain Significance.

NM_003480.4(MFAP5):c.185T>G (p.Leu62Trp)

Gene: MFAP5 (microfibril associated protein 5; minus strand). Cytogenetic location: 12p13.31.
Variant type: single nucleotide variant.
Coding change: c.185T>G on transcript NM_003480.4 (MANE Select); coding-DNA position 185, T replaced by G.
Protein change: p.Leu62Trp; replaces leucine 62 with tryptophan.
Molecular consequence: missense variant. On other transcripts: non-coding transcript variant (2), intron variant (1).
Genome position (GRCh38, 1-based): chr12:8,654,469, A>C on the plus strand (T>G on the coding strand, the complement: MFAP5 is on the minus strand). VCF-style: chr12-8654469-A-C. GRCh37 (hg19) VCF-style: chr12-8807065-A-C.
Other names: c.185T>G, p.Leu62Trp (NM_001297709.2, NM_001297712.2); c.149T>G, p.Leu50Trp (NM_001297710.2); c.172+946T>G (NM_001297711.2); short protein forms L62W, L50W.
Identifiers: ClinVar variation 2000139 (VCV002000139.5), dbSNP rs2540297258, ClinGen allele CA384039345.